The following is an entry in ClinVar:

ClinVar aggregate classification (germline): Uncertain significance (1 of 4 stars; one submission).

Conditions:
Oligodontia-cancer predisposition syndrome. Also called: TOOTH AGENESIS-COLORECTAL CANCER SYNDROME. Identifiers: Orphanet 300576, MedGen C1837750, MONDO:0012075, OMIM 608615. Disease mechanism: loss of function.

Submission:

Labcorp Genetics (formerly Invitae), Labcorp
Classification: Uncertain significance for Oligodontia-cancer predisposition syndrome. Last evaluated: 2025-07-30. Review status: criteria provided, single submitter. Criteria: Invitae Variant Classification Sherloc (09022015). Collection method: clinical testing. Allele origin: germline.
Comment: This sequence change replaces alanine, which is neutral and non-polar, with glycine, which is neutral and non-polar, at codon 816 of the AXIN2 protein (p.Ala816Gly). This variant is not present in population databases (gnomAD no frequency). This variant has not been reported in the literature in individuals affected with AXIN2-related conditions. ClinVar contains an entry for this variant (Variation ID: 639754). Invitae Evidence Modeling of protein sequence and biophysical properties (such as structural, functional, and spatial information, amino acid conservation, physicochemical variation, residue mobility, and thermodynamic stability) indicates that this missense variant is expected to disrupt AXIN2 protein function with a positive predictive value of 80%. In summary, the available evidence is currently insufficient to determine the role of this variant in disease. Therefore, it has been classified as a Variant of Uncertain Significance.

NM_004655.4(AXIN2):c.2447C>G (p.Ala816Gly)

Gene: AXIN2 (axin 2; minus strand). Cytogenetic location: 17q24.1.
Variant type: single nucleotide variant.
Coding change: c.2447C>G on transcript NM_004655.4 (MANE Select); coding-DNA position 2447, C replaced by G.
Protein change: p.Ala816Gly; replaces alanine 816 with glycine.
Molecular consequence: missense variant.
Genome position (GRCh38, 1-based): chr17:65,530,061, G>C on the plus strand (C>G on the coding strand, the complement: AXIN2 is on the minus strand). VCF-style: chr17-65530061-G-C. GRCh37 (hg19) VCF-style: chr17-63526179-G-C.
Other names: c.2447C>G (LRG_296t1); c.2252C>G, p.Ala751Gly (NM_001363813.1); short protein forms A751G, A816G.
Identifiers: ClinVar variation 639754 (VCV000639754.8), dbSNP rs755508971, ClinGen allele CA400674893.